The following is an entry in ClinVar:

NM_000548.5(TSC2):c.725C>A (p.Thr242Asn)

Gene: TSC2 (TSC complex subunit 2; plus strand). Cytogenetic location: 16p13.3.
Variant type: single nucleotide variant.
Coding change: c.725C>A on transcript NM_000548.5 (MANE Select); coding-DNA position 725, C replaced by A.
Protein change: p.Thr242Asn; replaces threonine 242 with asparagine.
Molecular consequence: missense variant.
Genome position (GRCh38, 1-based): chr16:2,056,720, C>A. VCF-style: chr16-2056720-C-A. GRCh37 (hg19) VCF-style: chr16-2106721-C-A.
Other names: c.725C>A, p.Thr242Asn (NM_001077183.3, NM_001114382.3, NM_001363528.2 and 3 more transcripts); c.614C>A, p.Thr205Asn (NM_001318827.2); c.578C>A, p.Thr193Asn (NM_001318829.2); c.125C>A, p.Thr42Asn (NM_001318831.2); c.758C>A, p.Thr253Asn (NM_001318832.2); short protein forms T193N, T205N, T242N, T253N, T42N.
Identifiers: ClinVar variation 1055573 (VCV001055573.12), dbSNP rs1007232729, ClinGen allele CA276774781.

ClinVar aggregate classification (germline): Uncertain significance. Review status: criteria provided, multiple submitters, no conflicts (2 of 4 stars). 3 submissions from 3 submitters: Uncertain significance (3). Last evaluated 2026-04-03.

Conditions:
Tuberous sclerosis 2 (TSC2). Identifiers: Orphanet 805, MedGen C1860707, MONDO:0013199, OMIM 613254.
Hereditary cancer-predisposing syndrome. Also called: Neoplastic Syndromes, Hereditary; Tumor predisposition; Hereditary Cancer Syndrome; Hereditary neoplastic syndrome. Identifiers: Orphanet 140162, MedGen C0027672, MeSH D009386, MONDO:0015356.

Allele frequency attached by ClinVar (database versions not stated): TOPMed below 0.00001; gnomAD 0.00001.
gnomAD v4.1: 2 of 1,612,250 alleles (0.00012%); highest among the groups gnomAD compares: Non-Finnish European, 0.00017%; no homozygotes.

Submissions (3):

GeneDx
Classification: Uncertain significance. Last evaluated: 2026-04-03. Review status: criteria provided, single submitter. Criteria: GeneDx Variant Classification Process June 2021. Collection method: clinical testing. Allele origin: germline.
Comment: Not observed at significant frequency in large population cohorts (gnomAD); In silico analysis supports that this missense variant has a deleterious effect on protein structure/function; Observed in a patient with autism spectrum disorder (PMID: 28250423); This variant is associated with the following publications: (PMID: 18466115, 28250423)

Ambry Genetics
Classification: Uncertain significance for Hereditary cancer-predisposing syndrome. Last evaluated: 2025-08-31. Review status: criteria provided, single submitter. Criteria: Ambry Variant Classification Scheme 2023. Collection method: clinical testing. Allele origin: germline.
Comment: The p.T242N variant (also known as c.725C>A), located in coding exon 7 of the TSC2 gene, results from a C to A substitution at nucleotide position 725. The threonine at codon 242 is replaced by asparagine, an amino acid with similar properties. This alteration has been observed in an individual with autism spectrum disorder (Saskin A et al. J. Hum. Genet., 2017 Jun;62:657-659). This amino acid position is highly conserved in available vertebrate species. In addition, the in silico prediction for this alteration is inconclusive. Since supporting evidence is limited at this time, the clinical significance of this alteration remains unclear.

Labcorp Genetics (formerly Invitae), Labcorp
Classification: Uncertain significance for Tuberous sclerosis 2. Last evaluated: 2022-11-09. Review status: criteria provided, single submitter. Criteria: Invitae Variant Classification Sherloc (09022015). Collection method: clinical testing. Allele origin: germline.
Comment: In summary, the available evidence is currently insufficient to determine the role of this variant in disease. Therefore, it has been classified as a Variant of Uncertain Significance. Advanced modeling of protein sequence and biophysical properties (such as structural, functional, and spatial information, amino acid conservation, physicochemical variation, residue mobility, and thermodynamic stability) performed at Invitae indicates that this missense variant is not expected to disrupt TSC2 protein function. ClinVar contains an entry for this variant (Variation ID: 1055573). This variant has not been reported in the literature in individuals affected with TSC2-related conditions. This variant is not present in population databases (gnomAD no frequency). This sequence change replaces threonine, which is neutral and polar, with asparagine, which is neutral and polar, at codon 242 of the TSC2 protein (p.Thr242Asn).

Literature cited by the submitters: PubMed 28250423 (cited by Ambry Genetics).